The following is an entry in ClinVar:

ClinVar aggregate classification (germline): Likely pathogenic (1 of 4 stars; one submission).

Conditions:
Jeune thoracic dystrophy. Also called: Jeune syndrome; Infantile thoracic dystrophy; Thoracic pelvic phalangeal dystrophy; Jeune's syndrome; Chondroectodermal dysplasia-like syndrome; Short-rib thoracic dysplasia. Identifiers: Orphanet 474, MedGen C0265275, MONDO:0018770.

Submission:

Labcorp Genetics (formerly Invitae), Labcorp
Classification: Likely pathogenic for Jeune thoracic dystrophy. Last evaluated: 2023-01-31. Review status: criteria provided, single submitter. Criteria: Invitae Variant Classification Sherloc (09022015). Collection method: clinical testing. Allele origin: germline.
Comment: In summary, the currently available evidence indicates that the variant is pathogenic, but additional data are needed to prove that conclusively. Therefore, this variant has been classified as Likely Pathogenic. Algorithms developed to predict the effect of sequence changes on RNA splicing suggest that this variant may disrupt the consensus splice site. This variant has not been reported in the literature in individuals affected with DYNC2H1-related conditions. This variant is not present in population databases (gnomAD no frequency). This sequence change affects an acceptor splice site in intron 37 of the DYNC2H1 gene. It is expected to disrupt RNA splicing. Variants that disrupt the donor or acceptor splice site typically lead to a loss of protein function (PMID: 16199547), and loss-of-function variants in DYNC2H1 are known to be pathogenic (PMID: 23339108, 32753734).

Literature cited by the submitters: PubMed 16199547; PubMed 23339108; PubMed 32753734.

NM_001377.3(DYNC2H1):c.5875-2A>T

Gene: DYNC2H1 (dynein cytoplasmic 2 heavy chain 1; plus strand). Cytogenetic location: 11q22.3.
Variant type: single nucleotide variant.
Coding change: c.5875-2A>T on transcript NM_001377.3 (MANE Select); the canonical splice acceptor site of the intron before coding-DNA position 5875, A replaced by T.
Molecular consequence: splice acceptor variant.
Genome position (GRCh38, 1-based): chr11:103,177,554, A>T. VCF-style: chr11-103177554-A-T. GRCh37 (hg19) VCF-style: chr11-103048283-A-T.
Other names: c.5875-2A>T (NM_001080463.2).
Identifiers: ClinVar variation 2833200 (VCV002833200.3), dbSNP rs2496234517, ClinGen allele CA382245664.